The following is an entry in ClinVar:

NM_001267550.2(TTN):c.34855+7C>T

Gene: TTN (titin; minus strand). Cytogenetic location: 2q31.2.
Variant type: single nucleotide variant.
Coding change: c.34855+7C>T on transcript NM_001267550.2 (MANE Select); 7 bases into the intron after coding-DNA position 34855, C replaced by T.
Molecular consequence: intron variant.
Genome position (GRCh38, 1-based): chr2:178,672,628, G>A on the plus strand (C>T on the coding strand, the complement: TTN is on the minus strand). VCF-style: chr2-178672628-G-A. GRCh37 (hg19) VCF-style: chr2-179537355-G-A.
Other names: c.13283-30311C>T (NM_003319.4); c.13859-30311C>T (NM_133437.4); c.13658-30311C>T (NM_133432.3); c.30952+7C>T (NM_133378.4); c.33733+7C>T (NM_001256850.1).
Identifiers: ClinVar variation 46908 (VCV000046908.16), dbSNP rs397517552, ClinGen allele CA139485.

ClinVar aggregate classification (germline): Likely benign. Review status: criteria provided, multiple submitters, no conflicts (2 of 4 stars). 2 submissions from 2 submitters: Likely benign (2). Last evaluated 2024-08-10.

Conditions:
Dilated cardiomyopathy 1G (CMD1G). Identifiers: Orphanet 154, MedGen C1858763, MONDO:0011400, OMIM 604145.
Autosomal recessive limb-girdle muscular dystrophy type 2J (LGMDR10). Also called: Limb-girdle muscular dystrophy, type 2J; MUSCULAR DYSTROPHY, LIMB-GIRDLE, AUTOSOMAL RECESSIVE 10. Identifiers: Orphanet 140922, MedGen C1837342, MONDO:0012127, OMIM 608807.

Allele frequency attached by ClinVar (database versions not stated): gnomAD exomes below 0.00001; ExAC 0.00001.
gnomAD v4.1: 3 of 1,611,684 alleles (0.00019%); highest among the groups gnomAD compares: Non-Finnish European, 0.00017%; no homozygotes.

Submissions (2):

Labcorp Genetics (formerly Invitae), Labcorp
Classification: Likely benign for Dilated cardiomyopathy 1G; Autosomal recessive limb-girdle muscular dystrophy type 2J. Last evaluated: 2024-08-10. Review status: criteria provided, single submitter. Criteria: Invitae Variant Classification Sherloc (09022015). Collection method: clinical testing. Allele origin: germline.

Laboratory for Molecular Medicine, Mass General Brigham Personalized Medicine
Classification: Likely benign. Last evaluated: 2012-05-01. Review status: criteria provided, single submitter. Criteria: LMM Criteria. Collection method: clinical testing. Allele origin: germline. Observed: 1 variant allele.
Comment: 30952+7C>T in Intron 148 of TTN: This variant is not expected to have clinical s ignificance because it does not alter an amino acid residue and is not located w ithin the splice consensus sequence. 30952+7C>T in Intron 148 of TTN (allele f requency = n/a)